The following is an entry in ClinVar:

ClinVar aggregate classification (germline): Uncertain significance (1 of 4 stars; one submission).

Conditions:
Hereditary cancer-predisposing syndrome. Also called: Neoplastic Syndromes, Hereditary; Tumor predisposition; Hereditary Cancer Syndrome; Hereditary neoplastic syndrome. Identifiers: Orphanet 140162, MedGen C0027672, MeSH D009386, MONDO:0015356.

Submission:

Ambry Genetics
Classification: Uncertain significance for Hereditary cancer-predisposing syndrome. Last evaluated: 2026-02-03. Review status: criteria provided, single submitter. Criteria: Ambry Variant Classification Scheme 2023. Collection method: clinical testing. Allele origin: germline.
Comment: The p.G344W variant (also known as c.1030G>T), located in coding exon 1 of the MET gene, results from a G to T substitution at nucleotide position 1030. The glycine at codon 344 is replaced by tryptophan, an amino acid with highly dissimilar properties. This amino acid position is well conserved in available vertebrate species. In addition, the in silico prediction for this alteration is inconclusive. Based on the available evidence, the clinical significance of this variant remains unclear.

NM_000245.4(MET):c.1030G>T (p.Gly344Trp)

Gene: MET (MET proto-oncogene, receptor tyrosine kinase; plus strand). Cytogenetic location: 7q31.2.
Variant type: single nucleotide variant.
Coding change: c.1030G>T on transcript NM_000245.4 (MANE Select); coding-DNA position 1030, G replaced by T.
Protein change: p.Gly344Trp; replaces glycine 344 with tryptophan.
Molecular consequence: missense variant. On other transcripts: intron variant (1).
Genome position (GRCh38, 1-based): chr7:116,700,114, G>T. VCF-style: chr7-116700114-G-T. GRCh37 (hg19) VCF-style: chr7-116340168-G-T.
Other names: c.1030G>T, p.Gly344Trp (NM_001127500.3, NM_001324401.3); c.-91+27537G>T (NM_001324402.2); short protein forms G344W.
Identifiers: ClinVar variation 4841308 (VCV004841308.1).
Genomic context (GRCh38, chr7:116,700,114, plus strand): 5'-AAGCCTGGGGCCCAGCTTGCTAGACAAATAGGAGCCAGCCTGAATGATGACATTCTTTTC[G>T]GGGTGTTCGCACAAAGCAAGCCAGATTCTGCCGAACCAATGGATCGATCTGCCATGTGTG-3'
Protein context (NP_000236.2, residues 334-354): GASLNDDILF[Gly344Trp]VFAQSKPDSA